The following is an entry in ClinVar:

NM_139318.5(KCNH5):c.2569C>G (p.Pro857Ala)

Gene: KCNH5 (potassium voltage-gated channel subfamily H member 5; minus strand). Cytogenetic location: 14q23.2.
Variant type: single nucleotide variant.
Coding change: c.2569C>G on transcript NM_139318.5 (MANE Select); coding-DNA position 2569, C replaced by G.
Protein change: p.Pro857Ala; replaces proline 857 with alanine.
Molecular consequence: missense variant. On other transcripts: 3 prime UTR variant (1).
Genome position (GRCh38, 1-based): chr14:62,707,906, G>C on the plus strand (C>G on the coding strand, the complement: KCNH5 is on the minus strand). VCF-style: chr14-62707906-G-C. GRCh37 (hg19) VCF-style: chr14-63174624-G-C.
Other names: c.*536C>G (NM_172375.3); short protein forms P857A.
Identifiers: ClinVar variation 4974983 (VCV004974983.1).

ClinVar aggregate classification (germline): Uncertain significance (1 of 4 stars; one submission).

Conditions:
Developmental and epileptic encephalopathy 112. Identifiers: MedGen C5882700, MONDO:0957812, OMIM 620537.

Submission:

Diagnostics Services (NGS), CSIR - Centre For Cellular And Molecular Biology
Classification: Uncertain significance for Developmental and epileptic encephalopathy 112. Last evaluated: 2026-09-11. Review status: criteria provided, single submitter. Criteria: ACMG Guidelines, 2015. Collection method: clinical testing. Allele origin: germline. Affected: yes. Observed: 1 variant allele, 1 heterozygote.
Comment: The c.2569C>G variant is not present in publicly available population databases like 1000 Genomes, EVS, gnomAD, Indian Exome Database, GenomeIndia database or our internal database. This variant has not been published in the literature for KCNH5-related conditions nor reported to clinical databases like Human Genome Mutation Databases (HGMD), ClinVar or OMIM, in any affected individuals. In-silico pathogenicity prediction programs like MutationTaster2021, CADD, etc., predicted this variant to be likely deleterious, however these predictions were not confirmed by published functional studies.